The following is an entry in ClinVar:

ClinVar aggregate classification (germline): Uncertain significance. Review status: criteria provided, multiple submitters, no conflicts (2 of 4 stars). 2 submissions from 2 submitters: Uncertain significance (2). Last evaluated 2026-08-06.

Conditions:
Differences in sex development.

gnomAD v4.1: 116 of 1,613,986 alleles (0.0072%); highest among the groups gnomAD compares: Middle Eastern, 0.13%; no homozygotes.

Submissions (2):

NHS Central & South Genomic Laboratory Hub
Classification: Uncertain significance for Differences in sex development. Last evaluated: 2026-08-06. Review status: criteria provided, single submitter. Criteria: ACMG Guidelines, 2015. Collection method: clinical testing. Allele origin: germline. Affected: yes.

Labcorp Genetics (formerly Invitae), Labcorp
Classification: Uncertain significance. Last evaluated: 2024-02-02. Review status: criteria provided, single submitter. Criteria: Invitae Variant Classification Sherloc (09022015). Collection method: clinical testing. Allele origin: germline.
Comment: This sequence change replaces arginine, which is basic and polar, with glutamine, which is neutral and polar, at codon 219 of the RSPO1 protein (p.Arg219Gln). This variant is present in population databases (rs372057847, gnomAD 0.02%). This variant has not been reported in the literature in individuals affected with RSPO1-related conditions. Algorithms developed to predict the effect of missense changes on protein structure and function output the following: SIFT: "Not Available"; PolyPhen-2: "Benign"; Align-GVGD: "Not Available". The glutamine amino acid residue is found in multiple mammalian species, which suggests that this missense change does not adversely affect protein function. In summary, the available evidence is currently insufficient to determine the role of this variant in disease. Therefore, it has been classified as a Variant of Uncertain Significance.

NM_001242908.2(RSPO1):c.656G>A (p.Arg219Gln)

Gene: RSPO1 (R-spondin 1; minus strand). Cytogenetic location: 1p34.3.
Variant type: single nucleotide variant.
Coding change: c.656G>A on transcript NM_001242908.2 (MANE Select); coding-DNA position 656, G replaced by A.
Protein change: p.Arg219Gln; replaces arginine 219 with glutamine.
Molecular consequence: missense variant.
Genome position (GRCh38, 1-based): chr1:37,612,891, C>T on the plus strand (G>A on the coding strand, the complement: RSPO1 is on the minus strand). VCF-style: chr1-37612891-C-T. GRCh37 (hg19) VCF-style: chr1-38078563-C-T.
Other names: c.656G>A, p.Arg219Gln (NM_001038633.4); c.575G>A, p.Arg192Gln (NM_001242909.2); c.467G>A, p.Arg156Gln (NM_001242910.2); short protein forms R156Q, R192Q, R219Q.
Identifiers: ClinVar variation 3670220 (VCV003670220.3).